The following is an entry in ClinVar:

NM_000478.6(ALPL):c.681C>A (p.Tyr227Ter)

Gene: ALPL (alkaline phosphatase, biomineralization associated; plus strand). Cytogenetic location: 1p36.12.
Variant type: single nucleotide variant.
Coding change: c.681C>A on transcript NM_000478.6 (MANE Select); coding-DNA position 681, C replaced by A.
Protein change: p.Tyr227Ter; replaces tyrosine 227 with a stop codon.
Molecular consequence: nonsense.
Genome position (GRCh38, 1-based): chr1:21,568,136, C>A. VCF-style: chr1-21568136-C-A. GRCh37 (hg19) VCF-style: chr1-21894629-C-A.
Other names: c.516C>A, p.Tyr172Ter (NM_001127501.4); c.450C>A, p.Tyr150Ter (NM_001177520.3); c.681C>A, p.Tyr227Ter (NM_001369803.2, NM_001369804.2, NM_001369805.2); short protein forms Y150*, Y227*, Y172*.
Identifiers: ClinVar variation 2035636 (VCV002035636.5), dbSNP rs2545317132, ClinGen allele CA338879124.
Genomic context (GRCh38, chr1:21,568,136, plus strand): 5'-CAGAAGTGATGGCTCCTGTCTCTTTTAGGTGATCATGGGGGGTGGCCGGAAATACATGTA[C>A]CCCAAGAATAAAACTGATGTGGAGTATGAGAGTGACGAGAAAGCCAGGGGCACGAGGCTG-3'

ClinVar aggregate classification (germline): Pathogenic/Likely pathogenic. Review status: criteria provided, multiple submitters, no conflicts (2 of 4 stars). 2 submissions from 2 submitters: Pathogenic (1); Likely pathogenic (1). Last evaluated 2023-03-22.

Conditions:
Adult hypophosphatasia. Identifiers: Orphanet 247676, Orphanet 436, MedGen C0268413, MONDO:1010154, OMIM 146300, MONDO:0007798.

gnomAD v4.1: 3 of 1,614,000 alleles (0.00019%); highest among the groups gnomAD compares: Non-Finnish European, 0.00025%; no homozygotes.

Submissions (2):

Baylor Genetics
Classification: Likely pathogenic for Adult hypophosphatasia. Last evaluated: 2023-03-22. Review status: criteria provided, single submitter. Criteria: ACMG Guidelines, 2015. Collection method: clinical testing. Allele origin: unknown.

Labcorp Genetics (formerly Invitae), Labcorp
Classification: Pathogenic. Last evaluated: 2022-10-14. Review status: criteria provided, single submitter. Criteria: Invitae Variant Classification Sherloc (09022015). Collection method: clinical testing. Allele origin: germline.
Comment: This sequence change creates a premature translational stop signal (p.Tyr227*) in the ALPL gene. It is expected to result in an absent or disrupted protein product. Loss-of-function variants in ALPL are known to be pathogenic (PMID: 3174660, 10679946, 32973344, 33814268). This variant is not present in population databases (gnomAD no frequency). This variant has not been reported in the literature in individuals affected with ALPL-related conditions. For these reasons, this variant has been classified as Pathogenic.

Literature cited by the submitters: PubMed 3174660 (cited by Labcorp Genetics (formerly Invitae), Labcorp); PubMed 10679946 (cited by Labcorp Genetics (formerly Invitae), Labcorp); PubMed 32973344 (cited by Labcorp Genetics (formerly Invitae), Labcorp); PubMed 33814268 (cited by Labcorp Genetics (formerly Invitae), Labcorp).